The following is an entry in ClinVar:

NM_024312.5(GNPTAB):c.1482G>A (p.Gln494=)

Gene: GNPTAB (N-acetylglucosamine-1-phosphate transferase subunits alpha and beta; minus strand). Cytogenetic location: 12q23.2.
Variant type: single nucleotide variant.
Coding change: c.1482G>A on transcript NM_024312.5 (MANE Select); coding-DNA position 1482, G replaced by A.
Protein change: p.Gln494=; no amino-acid change (glutamine 494 retained).
Molecular consequence: synonymous variant.
Genome position (GRCh38, 1-based): chr12:101,766,221, C>T on the plus strand (G>A on the coding strand, the complement: GNPTAB is on the minus strand). VCF-style: chr12-101766221-C-T. GRCh37 (hg19) VCF-style: chr12-102159999-C-T.
Identifiers: ClinVar variation 558795 (VCV000558795.23), dbSNP rs11111008, ClinGen allele CA6746602.

ClinVar aggregate classification (germline): Benign. Review status: criteria provided, multiple submitters, no conflicts (2 of 4 stars). 6 submissions from 5 submitters: Benign (4). 2 of the submissions do not count toward it. Last evaluated 2026-02-04.

Conditions:
Mucolipidosis type II. Also called: Mucolipidosis II Alpha/Beta; Mucolipidosis 2; ML 2; Inclusion cell disease; Leroy Disease; N-acetylglucosamine 1phosphotransferase deficiency. Identifiers: Orphanet 576, MedGen C2673377, MONDO:0009650, OMIM 252500.
Pseudo-Hurler polydystrophy. Also called: MUCOLIPIDOSIS IIIA; ML IIIA; Mucolipidosis III Alpha/Beta; Type III Mucolipidosis; ML III; ML III ALPHA/BETA. Identifiers: Orphanet 423461, Orphanet 577, MedGen C0033788, MONDO:0018931, OMIM 252600.

Allele frequency attached by ClinVar (database versions not stated): ExAC 0.00444; TOPMed 0.01544; gnomAD 0.01336 and 0.01428; gnomAD exomes 0.00361 and 0.00136; ESP Exome Variant Server 0.01599; 1000 Genomes Project 0.01518; 1000 Genomes Project 30x 0.01624.
gnomAD v4.1: 4,068 of 1,614,150 alleles (0.25%); highest among the groups gnomAD compares: African/African-American, 4.9%; 81 homozygotes.

Submissions (6):

Labcorp Genetics (formerly Invitae), Labcorp
Classification: Benign for Pseudo-Hurler polydystrophy; Mucolipidosis type II. Last evaluated: 2026-02-04. Review status: criteria provided, single submitter. Criteria: Invitae Variant Classification Sherloc (09022015). Collection method: clinical testing. Allele origin: germline.

Illumina Laboratory Services, Illumina
Classification: Benign for Pseudo-Hurler polydystrophy. Last evaluated: 2018-01-12. Review status: criteria provided, single submitter. Criteria: ICSL Variant Classification Criteria 13 December 2019. Collection method: clinical testing. Allele origin: germline.
Comment: This variant was observed in the ICSL laboratory as part of a predisposition screen in an ostensibly healthy population. It had not been previously curated by ICSL or reported in the Human Gene Mutation Database (HGMD: prior to June 1st, 2018), and was therefore a candidate for classification through an automated scoring system. Utilizing variant allele frequency, disease prevalence and penetrance estimates, and inheritance mode, an automated score was calculated to assess if this variant is too frequent to cause the disease. Based on the score and internal cut-off values, a variant classified as benign is not then subjected to further curation. The score for this variant resulted in a classification of benign for this disease.

Illumina Laboratory Services, Illumina
Classification: Benign for Mucolipidosis type II. Last evaluated: 2018-01-12. Review status: criteria provided, single submitter. Criteria: ICSL Variant Classification Criteria 13 December 2019. Collection method: clinical testing. Allele origin: germline.
Comment: the same text as in the submission from Illumina Laboratory Services, Illumina above.

Breakthrough Genomics
Classification: Benign. Review status: criteria provided, single submitter. Criteria: ACMG Guidelines, 2015. Collection method: not provided. Allele origin: germline. Inheritance: Autosomal recessive inheritance. Affected: yes.

Natera, Inc.
Classification: Likely benign for Mucolipidosis type II. Last evaluated: 2019-12-04. Review status: no assertion criteria provided. Collection method: clinical testing. Allele origin: germline. Not counted in ClinVar's aggregate classification.

Mayo Clinic Laboratories, Mayo Clinic
Classification: Benign. Last evaluated: 2017-09-21. Review status: no assertion criteria provided. Collection method: clinical testing. Allele origin: unknown. Not counted in ClinVar's aggregate classification.